The following is an entry in ClinVar:

ClinVar aggregate classification (germline): Uncertain significance (1 of 4 stars; one submission).

Allele frequency attached by ClinVar (database versions not stated): gnomAD exomes 0.00001; TOPMed 0.00001; gnomAD 0.00002.
gnomAD v4.1: 15 of 1,613,238 alleles (0.00093%); highest among the groups gnomAD compares: African/African-American, 0.011%; no homozygotes.

Submission:

Labcorp Genetics (formerly Invitae), Labcorp
Classification: Uncertain significance. Last evaluated: 2024-11-05. Review status: criteria provided, single submitter. Criteria: Invitae Variant Classification Sherloc (09022015). Collection method: clinical testing. Allele origin: germline.
Comment: This sequence change replaces arginine, which is basic and polar, with tryptophan, which is neutral and slightly polar, at codon 13 of the CLCN2 protein (p.Arg13Trp). The frequency data for this variant in the population databases is considered unreliable, as metrics indicate poor data quality at this position in the gnomAD database. This variant has not been reported in the literature in individuals affected with CLCN2-related conditions. ClinVar contains an entry for this variant (Variation ID: 1951056). Invitae Evidence Modeling of protein sequence and biophysical properties (such as structural, functional, and spatial information, amino acid conservation, physicochemical variation, residue mobility, and thermodynamic stability) indicates that this missense variant is not expected to disrupt CLCN2 protein function with a negative predictive value of 95%. In summary, the available evidence is currently insufficient to determine the role of this variant in disease. Therefore, it has been classified as a Variant of Uncertain Significance.

NM_004366.6(CLCN2):c.37C>T (p.Arg13Trp)

Genes: CLCN2 (chloride voltage-gated channel 2; minus strand), LOC129938055 (ATAC-STARR-seq lymphoblastoid silent region 14964; plus strand). Cytogenetic location: 3q27.1.
Variant type: single nucleotide variant.
Coding change: c.37C>T on transcript NM_004366.6 (MANE Select); coding-DNA position 37, C replaced by T.
Protein change: p.Arg13Trp; replaces arginine 13 with tryptophan.
Molecular consequence: missense variant.
Genome position (GRCh38, 1-based): chr3:184,361,443, G>A on the plus strand (C>T on the coding strand, the complement: CLCN2 is on the minus strand). VCF-style: chr3-184361443-G-A. GRCh37 (hg19) VCF-style: chr3-184079231-G-A.
Other names: c.37C>T, p.Arg13Trp (NM_001171087.3, NM_001171088.3, NM_001171089.3); short protein forms R13W.
Identifiers: ClinVar variation 1951056 (VCV001951056.5), dbSNP rs1358773420, ClinGen allele CA355458594.